The following is an entry in ClinVar:

ClinVar aggregate classification (germline): Pathogenic. Review status: criteria provided, multiple submitters, no conflicts (2 of 4 stars). 3 submissions from 3 submitters: Pathogenic (3). Last evaluated 2024-01-11.

Conditions:
Hereditary cancer-predisposing syndrome. Also called: Hereditary Cancer Syndrome; Neoplastic Syndromes, Hereditary; Hereditary neoplastic syndrome; Tumor predisposition. Identifiers: Orphanet 140162, MedGen C0027672, MeSH D009386, MONDO:0015356.
Familial adenomatous polyposis 1 (FAP1). Also called: FAMILIAL ADENOMATOUS POLYPOSIS 1, ATTENUATED; POLYPOSIS, ADENOMATOUS INTESTINAL. Identifiers: MedGen C2713442, MONDO:0021056, OMIM 175100. Disease mechanism: loss of function.

Submissions (3):

Ambry Genetics
Classification: Pathogenic for Hereditary cancer-predisposing syndrome. Last evaluated: 2024-01-11. Review status: criteria provided, single submitter. Criteria: Ambry Variant Classification Scheme 2023. Collection method: clinical testing. Allele origin: germline.
Comment: The c.1968_1969delAA pathogenic mutation, located in coding exon 15 of the APC gene, results from a deletion of two nucleotides at nucleotide positions 1968 to 1969, causing a translational frameshift with a predicted alternate stop codon (p.N659Qfs*14). This mutation has been reported in a French familial adenomatous polyposis (FAP) cohort (Lagarde A et al. J. Med. Genet. 2010 Oct;47(10):721-2). In addition to the clinical data presented in the literature, this alteration is expected to result in loss of function by premature protein truncation or nonsense-mediated mRNA decay. As such, this alteration is interpreted as a disease-causing mutation.

Myriad Genetics, Inc.
Classification: Pathogenic for Familial adenomatous polyposis 1. Last evaluated: 2023-05-03. Review status: criteria provided, single submitter. Criteria: Myriad Autosomal Dominant, Autosomal Recessive and X-Linked Classification Criteria (2023). Collection method: clinical testing. Allele origin: unknown.
Comment: This variant is considered pathogenic. This variant creates a frameshift predicted to result in premature protein truncation.

Labcorp Genetics (formerly Invitae), Labcorp
Classification: Pathogenic for Familial adenomatous polyposis 1. Last evaluated: 2022-04-29. Review status: criteria provided, single submitter. Criteria: Invitae Variant Classification Sherloc (09022015). Collection method: clinical testing. Allele origin: germline.
Comment: ClinVar contains an entry for this variant (Variation ID: 428158). This premature translational stop signal has been observed in individual(s) with adenomatous polyposis (PMID: 20685668). This variant is not present in population databases (gnomAD no frequency). This sequence change creates a premature translational stop signal (p.Asn659Glnfs*14) in the APC gene. While this is not anticipated to result in nonsense mediated decay, it is expected to disrupt the last 2185 amino acid(s) of the APC protein. This variant is expected to disrupt the EB1 and HDLG binding sites, which mediate interactions with the cytoskeleton (PMID: 15311282, 17293347). While functional studies have not been performed to directly test the effect on APC protein function, this suggests that disruption of the C-terminal portion of the protein is functionally important. For these reasons, this variant has been classified as Pathogenic. A different truncation (p.Tyr2645Lysfs*14) that lies downstream of this variant has been determined to be pathogenic (PMID: 9824584, 1316610, 27081525, 8381579, 22135120, Invitae). This suggests that deletion of this region of the APC protein is causative of disease.

Literature cited by the submitters: PubMed 20685668 (cited by Ambry Genetics and Labcorp Genetics (formerly Invitae), Labcorp); PubMed 15311282 (cited by Labcorp Genetics (formerly Invitae), Labcorp); PubMed 17293347 (cited by Labcorp Genetics (formerly Invitae), Labcorp); PubMed 9824584 (cited by Labcorp Genetics (formerly Invitae), Labcorp); PubMed 1316610 (cited by Labcorp Genetics (formerly Invitae), Labcorp); PubMed 27081525 (cited by Labcorp Genetics (formerly Invitae), Labcorp); PubMed 8381579 (cited by Labcorp Genetics (formerly Invitae), Labcorp); PubMed 22135120 (cited by Labcorp Genetics (formerly Invitae), Labcorp).

NM_000038.6(APC):c.1968_1969del (p.Asn659fs)

Gene: APC (APC regulator of Wnt signaling pathway; plus strand). Cytogenetic location: 5q22.2.
Variant type: Deletion.
Coding change: c.1968_1969del on transcript NM_000038.6 (MANE Select); coding-DNA positions 1968 to 1969, 2 bases deleted (AA; older notation c.1968_1969delAA).
Protein change: p.Asn659fs; shifts the reading frame from asparagine 659.
Molecular consequence: frameshift variant.
Genome position (GRCh38, 1-based): chr5:112,837,562-112,837,563, AA deleted. VCF-style (leftmost placement, unchanged base first): chr5-112837561-TAA-T. GRCh37 (hg19) VCF-style: chr5-112173258-TAA-T.
Other names: c.1968_1969del, p.Asn659fs (NM_001127510.3, NM_001354895.2); c.1914_1915del, p.Asn641fs (NM_001127511.3); c.2022_2023del, p.Asn677fs (NM_001354896.2); c.1998_1999del, p.Asn669fs (NM_001354897.2); c.1893_1894del, p.Asn634fs (NM_001354898.2); c.1884_1885del, p.Asn631fs (NM_001354899.2); c.1845_1846del, p.Asn618fs (NM_001354900.2); c.1791_1792del, p.Asn600fs (NM_001354901.2); and 5 more; short protein forms N499fs, N600fs, N634fs, N641fs, N669fs, N558fs, N568fs, N376fs.
Identifiers: ClinVar variation 428158 (VCV000428158.16), dbSNP rs1114167597, ClinGen allele CA645369356.